The following is an entry in ClinVar:

NM_000243.3(MEFV):c.530C>T (p.Thr177Ile)

Gene: MEFV (MEFV innate immunity regulator, pyrin; minus strand). Cytogenetic location: 16p13.3.
Variant type: single nucleotide variant.
Coding change: c.530C>T on transcript NM_000243.3 (MANE Select); coding-DNA position 530, C replaced by T.
Protein change: p.Thr177Ile; replaces threonine 177 with isoleucine.
Molecular consequence: missense variant. On other transcripts: intron variant (1).
Genome position (GRCh38, 1-based): chr16:3,254,538, G>A on the plus strand (C>T on the coding strand, the complement: MEFV is on the minus strand). VCF-style: chr16-3254538-G-A. GRCh37 (hg19) VCF-style: chr16-3304538-G-A.
Other names: c.277+1773C>T (NM_001198536.2); short protein forms T177I.
Identifiers: ClinVar variation 97528 (VCV000097528.29), dbSNP rs104895143, ClinGen allele CA280618.

ClinVar aggregate classification (germline): Conflicting classifications of pathogenicity. Review status: criteria provided, conflicting classifications (1 of 4 stars). 9 submissions from 7 submitters: Uncertain significance (5); Likely benign (2). 2 of the submissions do not count toward it. Last evaluated 2023-02-08.

Conditions:
Acute febrile neutrophilic dermatosis (AFND). Also called: Sweet Syndrome; Gomm Button disease. Identifiers: Orphanet 3243, MedGen C0085077, MONDO:0011959, OMIM 608068.
Familial Mediterranean fever (FMF). Also called: POLYSEROSITIS, FAMILIAL PAROXYSMAL; POLYSEROSITIS, RECURRENT; Periodic peritonitis; Benign paroxysmal peritonitis. Identifiers: Orphanet 342, MedGen C0031069, MONDO:0018088, OMIM 249100. Disease mechanism: gain of function.
Familial Mediterranean fever, autosomal dominant. Also called: FMF, AUTOSOMAL DOMINANT; Dominant Familial Mediterranean Fever. Identifiers: Orphanet 342, MedGen C1851347, MONDO:0007601, OMIM 134610.

Allele frequency attached by ClinVar (database versions not stated): gnomAD exomes 0.00001.
gnomAD v4.1: 5 of 1,555,812 alleles (0.00032%); highest among the groups gnomAD compares: Middle Eastern, 0.043%; 1 homozygote.

Submissions (9):

Genome-Nilou Lab
Classification: Uncertain significance for Familial Mediterranean fever. Last evaluated: 2023-02-08. Review status: criteria provided, single submitter. Criteria: ACMG Guidelines, 2015. Collection method: clinical testing. Allele origin: germline.

Genome-Nilou Lab
Classification: Likely benign for Familial Mediterranean fever, autosomal dominant. Last evaluated: 2023-02-08. Review status: criteria provided, single submitter. Criteria: ACMG Guidelines, 2015. Collection method: clinical testing. Allele origin: germline.

Genome-Nilou Lab
Classification: Likely benign for Acute febrile neutrophilic dermatosis. Last evaluated: 2023-02-08. Review status: criteria provided, single submitter. Criteria: ACMG Guidelines, 2015. Collection method: clinical testing. Allele origin: germline.

Blueprint Genetics
Classification: Uncertain significance. Last evaluated: 2022-02-15. Review status: criteria provided, single submitter. Criteria: ACMG Guidelines, 2015. Collection method: clinical testing. Allele origin: germline.

Labcorp Genetics (formerly Invitae), Labcorp
Classification: Uncertain significance for Familial Mediterranean fever. Last evaluated: 2021-08-26. Review status: criteria provided, single submitter. Criteria: Invitae Variant Classification Sherloc (09022015). Collection method: clinical testing. Allele origin: germline.
Comment: This sequence change replaces threonine with isoleucine at codon 177 of the MEFV protein (p.Thr177Ile). The threonine residue is weakly conserved and there is a moderate physicochemical difference between threonine and isoleucine. The frequency data for this variant in the population databases is considered unreliable, as metrics indicate insufficient coverage at this position in the ExAC database. This missense change has been observed in individual(s) with familial Mediterranean fever (PMID: 16378925). ClinVar contains an entry for this variant (Variation ID: 97528). Algorithms developed to predict the effect of missense changes on protein structure and function are either unavailable or do not agree on the potential impact of this missense change (SIFT: "Deleterious"; PolyPhen-2: "Benign"; Align-GVGD: "Class C0"). In summary, the available evidence is currently insufficient to determine the role of this variant in disease. Therefore, it has been classified as a Variant of Uncertain Significance.

ARUP Laboratories, Molecular Genetics and Genomics, ARUP Laboratories
Classification: Uncertain significance. Last evaluated: 2020-04-09. Review status: criteria provided, single submitter. Criteria: ARUP Molecular Germline Variant Investigation Process. Collection method: clinical testing. Allele origin: germline.
Comment: The MEFV c.530C>T; p.Thr177Ile variant (rs104895143) is reported in the literature in individuals affected with familial Mediterranean fever (Medlej-Hashim 2005). This variant is reported in ClinVar (Variation ID: 97528), and is only observed on two alleles (one homozygote) in the Genome Aggregation Database, indicating it is not a common polymorphism. The threonine at codon 177 is weakly conserved, and computational analyses (SIFT: damaging, PolyPhen-2: benign) predict conflicting effects of this variant on protein structure/function. Due to limited information, the clinical significance of the p.Thr177Ile variant is uncertain at this time. References: Medlej-Hashim M et al. Familial Mediterranean fever (FMF) in Lebanon and Jordan: a population genetics study and report of three novel mutations. Eur J Med Genet. 2005 Oct-Dec;48(4):412-20.

Mendelics
Classification: Uncertain significance for Familial Mediterranean fever. Last evaluated: 2019-05-28. Review status: criteria provided, single submitter. Criteria: Mendelics Assertion Criteria 2017. Collection method: clinical testing. Allele origin: unknown.

Natera, Inc.
Classification: Uncertain significance for Familial Mediterranean fever. Last evaluated: 2020-03-11. Review status: no assertion criteria provided. Collection method: clinical testing. Allele origin: germline. Not counted in ClinVar's aggregate classification.

Unité médicale des maladies autoinflammatoires, CHRU Montpellier
No classification provided. Condition: Familial Mediterranean fever. Review status: no classification provided. Collection method: not provided. Allele origin: unknown. Not counted in ClinVar's aggregate classification.

Literature cited by the submitters: PubMed 16378925 (cited by Labcorp Genetics (formerly Invitae), Labcorp).